The following is an entry in ClinVar:

ClinVar aggregate classification (germline): Uncertain significance (1 of 4 stars; one submission).

Submission:

GeneDx
Classification: Uncertain significance. Last evaluated: 2024-10-31. Review status: criteria provided, single submitter. Criteria: GeneDx Variant Classification Process June 2021. Collection method: clinical testing. Allele origin: germline. Affected: yes.
Comment: Not observed at significant frequency in large population cohorts (gnomAD); In silico analysis supports that this missense variant has a deleterious effect on protein structure/function; Has not been previously published as pathogenic or benign to our knowledge; Variants in candidate genes are classified as variants of uncertain significance in accordance with ACMG guidelines (PMID: 25741868)

NM_182699.4(DDX53):c.995G>A (p.Gly332Asp)

Genes: DDX53 (DEAD-box helicase 53; plus strand), PTCHD1-AS (PTCHD1 antisense RNA (head to head); minus strand). Cytogenetic location: Xp22.11.
Variant type: single nucleotide variant.
Coding change: c.995G>A on transcript NM_182699.4 (MANE Select); coding-DNA position 995, G replaced by A.
Protein change: p.Gly332Asp; replaces glycine 332 with aspartic acid.
Molecular consequence: missense variant.
Genome position (GRCh38, 1-based): chrX:23,001,052, G>A. VCF-style: chrX-23001052-G-A. GRCh37 (hg19) VCF-style: chrX-23019169-G-A.
Other names: short protein forms G332D.
Identifiers: ClinVar variation 3897299 (VCV003897299.1).